The following is an entry in ClinVar:

ClinVar aggregate classification (germline): Conflicting classifications of pathogenicity. Review status: criteria provided, conflicting classifications (1 of 4 stars). 7 submissions from 7 submitters: Uncertain significance (1); Likely benign (5). 1 of the submissions does not count toward it. Last evaluated 2025-12-26.

Conditions:
CHD7-related disorder. Also called: CHD7-related condition.
Inborn genetic diseases. Identifiers: MedGen C0950123, MeSH D030342.
CHARGE syndrome (CHARGE). Also called: Coloboma, heart anomaly, choanal atresia, retardation, genital and ear anomalies; CHARGE association; Hall-Hittner syndrome; CHARGE ASSOCIATION--COLOBOMA, HEART ANOMALY, CHOANAL ATRESIA, RETARDATION, GENITAL AND EAR ANOMALIES; Hittner Hirsch Kreh syndrome. Identifiers: Orphanet 138, MedGen C0265354, MONDO:0008965.

Allele frequency attached by ClinVar (database versions not stated): ESP Exome Variant Server 0.00017; TOPMed 0.00017; gnomAD 0.00022 and 0.00023; gnomAD exomes 0.00023; ExAC 0.00031.
gnomAD v4.1: 485 of 1,613,616 alleles (0.03%); highest among the groups gnomAD compares: Non-Finnish European, 0.039%; 1 homozygote.

Submissions (7):

Labcorp Genetics (formerly Invitae), Labcorp
Classification: Likely benign for CHARGE syndrome. Last evaluated: 2025-12-26. Review status: criteria provided, single submitter. Criteria: Invitae Variant Classification Sherloc (09022015). Collection method: clinical testing. Allele origin: germline.

CeGaT Center for Human Genetics Tuebingen
Classification: Likely benign. Last evaluated: 2025-07-01. Review status: criteria provided, single submitter. Criteria: CeGaT Center For Human Genetics Tuebingen Variant Classification Criteria Version 2. Collection method: clinical testing. Allele origin: germline. Affected: yes. Observed: 1 variant allele.
Comment: CHD7: BS2

Blueprint Genetics
Classification: Likely benign. Last evaluated: 2024-10-21. Review status: criteria provided, single submitter. Criteria: ACMG Guidelines, 2015. Collection method: clinical testing. Allele origin: germline.

GeneDx
Classification: Likely benign. Last evaluated: 2020-08-13. Review status: criteria provided, single submitter. Criteria: GeneDx Variant Classification Process June 2021. Collection method: clinical testing. Allele origin: germline. Affected: yes.
Comment: This variant is associated with the following publications: (PMID: 25996639, 28475860, 21158681)

Ambry Genetics
Classification: Likely benign for Inborn genetic diseases. Last evaluated: 2017-01-03. Review status: criteria provided, single submitter. Criteria: Ambry Variant Classification Scheme 2023. Collection method: clinical testing. Allele origin: germline.

Eurofins Ntd Llc (ga)
Classification: Uncertain significance. Last evaluated: 2015-02-03. Review status: criteria provided, single submitter. Criteria: EGL Classification Definitions 2015. Collection method: clinical testing. Allele origin: germline. Observed: 1 variant allele, 1 heterozygote.

PreventionGenetics, part of Exact Sciences
Classification: Likely benign for CHD7-related condition. Last evaluated: 2021-09-27. Review status: no assertion criteria provided. Collection method: clinical testing. Allele origin: germline. Not counted in ClinVar's aggregate classification.
Comment: This variant is classified as likely benign based on ACMG/AMP sequence variant interpretation guidelines (Richards et al. 2015 PMID: 25741868, with internal and published modifications).

NM_017780.4(CHD7):c.5848G>A (p.Ala1950Thr)

Gene: CHD7 (chromodomain helicase DNA binding protein 7; plus strand). Cytogenetic location: 8q12.2.
Variant type: single nucleotide variant.
Coding change: c.5848G>A on transcript NM_017780.4 (MANE Select); coding-DNA position 5848, G replaced by A.
Protein change: p.Ala1950Thr; replaces alanine 1950 with threonine.
Molecular consequence: missense variant. On other transcripts: intron variant (1).
Genome position (GRCh38, 1-based): chr8:60,852,201, G>A. VCF-style: chr8-60852201-G-A. GRCh37 (hg19) VCF-style: chr8-61764760-G-A.
Other names: c.1717-10028G>A (NM_001316690.1); short protein forms A1950T.
Identifiers: ClinVar variation 196181 (VCV000196181.34), dbSNP rs201423234, ClinGen allele CA243046.